The following is an entry in ClinVar:

NM_001386135.1(AFF3):c.2766G>A (p.Gln922=)

Gene: AFF3 (ALF transcription elongation factor 3; minus strand). Cytogenetic location: 2q11.2.
Variant type: single nucleotide variant.
Coding change: c.2766G>A on transcript NM_001386135.1 (MANE Select); coding-DNA position 2766, G replaced by A.
Protein change: p.Gln922=; no amino-acid change (glutamine 922 retained).
Molecular consequence: synonymous variant.
Genome position (GRCh38, 1-based): chr2:99,582,825, C>T on the plus strand (G>A on the coding strand, the complement: AFF3 is on the minus strand). VCF-style: chr2-99582825-C-T. GRCh37 (hg19) VCF-style: chr2-100199287-C-T.
Other names: c.2841G>A, p.Gln947= (NM_001025108.2); c.2766G>A, p.Gln922= (NM_002285.3).
Identifiers: ClinVar variation 3048417 (VCV003048417.3), dbSNP rs147254758, ClinGen allele CA1800799.

ClinVar aggregate classification (germline): Likely benign. Review status: criteria provided, single submitter (1 of 4 stars). 2 submissions from 2 submitters: Likely benign (1). 1 of the submissions does not count toward it. Last evaluated 2023-11-13.

Conditions:
AFF3-related disorder. Also called: AFF3-related condition.

Allele frequency attached by ClinVar (database versions not stated): 1000 Genomes Project 0.00020; 1000 Genomes Project 30x 0.00031; ExAC 0.00048; gnomAD 0.00121; TOPMed 0.00159; ESP Exome Variant Server 0.00215.
gnomAD v4.1: 374 of 1,614,224 alleles (0.023%); highest among the groups gnomAD compares: African/African-American, 0.42%; no homozygotes.

Submissions (2):

Blueprint Genetics
Classification: Likely benign. Last evaluated: 2023-11-13. Review status: criteria provided, single submitter. Criteria: ACMG Guidelines, 2015. Collection method: clinical testing. Allele origin: germline.

PreventionGenetics, part of Exact Sciences
Classification: Benign for AFF3-related condition. Last evaluated: 2024-02-08. Review status: no assertion criteria provided. Collection method: clinical testing. Allele origin: germline. Not counted in ClinVar's aggregate classification.
Comment: This variant is classified as benign based on ACMG/AMP sequence variant interpretation guidelines (Richards et al. 2015 PMID: 25741868, with internal and published modifications).